The following is an entry in ClinVar:

NM_013322.3(SNX10):c.338C>G (p.Ser113Ter)

Gene: SNX10 (sorting nexin 10; plus strand). Cytogenetic location: 7p15.2.
Variant type: single nucleotide variant.
Coding change: c.338C>G on transcript NM_013322.3 (MANE Select); coding-DNA position 338, C replaced by G.
Protein change: p.Ser113Ter; replaces serine 113 with a stop codon.
Molecular consequence: nonsense.
Genome position (GRCh38, 1-based): chr7:26,371,847, C>G. VCF-style: chr7-26371847-C-G. GRCh37 (hg19) VCF-style: chr7-26411467-C-G.
Other names: c.338C>G, p.Ser113Ter (NM_001199835.1, NM_001318199.3); c.329C>G, p.Ser110Ter (NM_001199837.3); c.86C>G, p.Ser29Ter (NM_001199838.2); c.416C>G, p.Ser139Ter (NM_001318198.1, NM_001362753.1, NM_001362754.1); short protein forms S113*, S139*, S29*, S110*.
Identifiers: ClinVar variation 2789891 (VCV002789891.3), dbSNP rs753014293, ClinGen allele CA4195251.

ClinVar aggregate classification (germline): Pathogenic (1 of 4 stars; one submission).

Allele frequency attached by ClinVar (database versions not stated): ExAC 0.00001; gnomAD exomes 0.00001; gnomAD 0.00001; TOPMed 0.00001.
gnomAD v4.1: 12 of 1,612,878 alleles (0.00074%); highest among the groups gnomAD compares: Non-Finnish European, 0.001%; no homozygotes.

Submission:

Labcorp Genetics (formerly Invitae), Labcorp
Classification: Pathogenic. Last evaluated: 2025-12-19. Review status: criteria provided, single submitter. Criteria: Invitae Variant Classification Sherloc (09022015). Collection method: clinical testing. Allele origin: germline.
Comment: This sequence change creates a premature translational stop signal (p.Ser113*) in the SNX10 gene. It is expected to result in an absent or disrupted protein product. Loss-of-function variants in SNX10 are known to be pathogenic (PMID: 23123320, 23280965, 25811986). This variant is present in population databases (rs753014293, gnomAD 0.0009%). This variant has not been reported in the literature in individuals affected with SNX10-related conditions. ClinVar contains an entry for this variant (Variation ID: 2789891). Algorithms developed to predict the effect of sequence changes on RNA splicing suggest that this variant may create or strengthen a splice site. For these reasons, this variant has been classified as Pathogenic.

Literature cited by the submitters: PubMed 23123320; PubMed 23280965; PubMed 25811986.